The following is an entry in ClinVar:

NM_000075.4(CDK4):c.829A>G (p.Thr277Ala)

Genes: TSPAN31 (tetraspanin 31; plus strand), CDK4 (cyclin dependent kinase 4; minus strand). Cytogenetic location: 12q14.1.
Variant type: single nucleotide variant.
Coding change: c.829A>G on transcript NM_000075.4 (MANE Select); coding-DNA position 829, A replaced by G.
Protein change: p.Thr277Ala; replaces threonine 277 with alanine.
Molecular consequence: missense variant. On other transcripts: 3 prime UTR variant (3).
Genome position (GRCh38, 1-based): chr12:57,748,608, T>C on the plus strand (A>G on the coding strand, the complement: CDK4 is on the minus strand). VCF-style: chr12-57748608-T-C. GRCh37 (hg19) VCF-style: chr12-58142391-T-C.
Other names: c.*1318T>C (NM_001330168.2, NM_001330169.2, NM_005981.5); short protein forms T277A.
Identifiers: ClinVar variation 230297 (VCV000230297.19), dbSNP rs767343306, ClinGen allele CA10579432.
Genomic context (GRCh38, chr12:57,748,608, plus strand): 5'-TATGTAGATAAGAGTGCTGCAGAGCTCGAAAGGCAGAGATTCGCTTGTGTGGGTTAAAAG[T>C]CAGCATTTCCTGAGGGGAGAGGCAAAGGTCAGAAAACCATGAAGAAAACAGACTTCTGCC-3'
Protein context (NP_000066.1, residues 267-287): SGAQLLLEML[Thr277Ala]FNPHKRISAF

ClinVar aggregate classification (germline): Conflicting classifications of pathogenicity. Review status: criteria provided, conflicting classifications (1 of 4 stars). 5 submissions from 5 submitters: Uncertain significance (4); Likely benign (1). Last evaluated 2025-11-13.

Conditions:
Hereditary cancer-predisposing syndrome. Also called: Hereditary neoplastic syndrome; Hereditary Cancer Syndrome; Neoplastic Syndromes, Hereditary; Tumor predisposition. Identifiers: Orphanet 140162, MedGen C0027672, MeSH D009386, MONDO:0015356.
Familial melanoma. Also called: Hereditary melanoma; Hereditary cutaneous melanoma. Identifiers: Orphanet 618, MedGen C1512419, MONDO:0018961.
Melanoma, cutaneous malignant, susceptibility to, 3. Also called: Cutaneous malignant melanoma 3. Identifiers: Orphanet 618, MedGen C1836892, MONDO:0012183, OMIM 609048.

Allele frequency attached by ClinVar (database versions not stated): gnomAD exomes below 0.00001 and 0.00001; TOPMed 0.00002.
gnomAD v4.1: 3 of 1,613,260 alleles (0.00019%); highest among the groups gnomAD compares: Non-Finnish European, 0.00025%; no homozygotes.

Submissions (5):

Labcorp Genetics (formerly Invitae), Labcorp
Classification: Uncertain significance for Familial melanoma. Last evaluated: 2025-11-13. Review status: criteria provided, single submitter. Criteria: Invitae Variant Classification Sherloc (09022015). Collection method: clinical testing. Allele origin: germline.
Comment: This sequence change replaces threonine, which is neutral and polar, with alanine, which is neutral and non-polar, at codon 277 of the CDK4 protein (p.Thr277Ala). This variant is present in population databases (rs767343306, gnomAD 0.0009%). This variant has not been reported in the literature in individuals affected with CDK4-related conditions. ClinVar contains an entry for this variant (Variation ID: 230297). Invitae Evidence Modeling of protein sequence and biophysical properties (such as structural, functional, and spatial information, amino acid conservation, physicochemical variation, residue mobility, and thermodynamic stability) indicates that this missense variant is not expected to disrupt CDK4 protein function with a negative predictive value of 95%. In summary, the available evidence is currently insufficient to determine the role of this variant in disease. Therefore, it has been classified as a Variant of Uncertain Significance.

Quest Diagnostics Nichols Institute San Juan Capistrano
Classification: Uncertain significance. Last evaluated: 2025-11-10. Review status: criteria provided, single submitter. Criteria: Quest Diagnostics criteria. Collection method: clinical testing. Allele origin: unknown.
Comment: The CDK4 c.829A>G (p.Thr277Ala) variant has been reported in the published literature to disrupt binding to the CDK4 inhibitor p16INK4a (PMID: 12731669 (2002)), however additional studies are required to determine the global effect of this variant on CDK4 protein function. The frequency of this variant in the general population (Genome Aggregation Database) is uninformative in the assessment of its pathogenicity. Analysis of this variant using bioinformatics tools for the prediction of the effect of amino acid changes on protein structure and function yielded predictions that this variant is benign. Based on the available information, we are unable to determine the clinical significance of this variant.

Ambry Genetics
Classification: Likely benign for Hereditary cancer-predisposing syndrome. Last evaluated: 2024-11-19. Review status: criteria provided, single submitter. Criteria: Ambry Variant Classification Scheme 2023. Collection method: clinical testing. Allele origin: germline.

St. Jude Molecular Pathology, St. Jude Children's Research Hospital
Classification: Uncertain significance for Melanoma, cutaneous malignant, susceptibility to, 3. Last evaluated: 2023-11-14. Review status: criteria provided, single submitter. Criteria: St. Jude Assertion Criteria 2020. Collection method: clinical testing. Allele origin: germline.
Comment: The CDK4 c.829A>G (p.Thr277Ala) missense change has a maximum subpopulation frequency of 0.00088% in gnomAD v2.1.1. The in silico tool REVEL predicts a benign effect on protein function, but to our knowledge this prediction has not been confirmed by functional studies. To our knowledge, this variant has not been reported in individuals with familial melanoma. In summary, the evidence currently available is insufficient to determine the clinical significance of this variant. It has therefore been classified as of uncertain significance.

GeneDx
Classification: Uncertain significance. Last evaluated: 2022-05-03. Review status: criteria provided, single submitter. Criteria: GeneDx Variant Classification Process June 2021. Collection method: clinical testing. Allele origin: germline. Affected: yes.
Comment: Not observed at significant frequency in large population cohorts (gnomAD); In silico analysis supports that this missense variant has a deleterious effect on protein structure/function; Published functional studies demonstrate disrupted p16 binding; however, the clone harboring this variant also harbored a second CDK4 variant making it difficult to determine the individual contribution of this variant (Mori 2003); This variant is associated with the following publications: (PMID: 12731669)